The following is an entry in ClinVar:

NM_001111125.3(IQSEC2):c.4214dup (p.Gly1407fs)

Gene: IQSEC2 (IQ motif and Sec7 domain ArfGEF 2; minus strand). Cytogenetic location: Xp11.22.
Variant type: Duplication.
Coding change: c.4214dup on transcript NM_001111125.3 (MANE Select); coding-DNA position 4214, one base duplicated (G; older notation c.4214dupG).
Protein change: p.Gly1407fs; shifts the reading frame from glycine 1407.
Molecular consequence: frameshift variant. On other transcripts: 3 prime UTR variant (1).
Genome position (GRCh38, 1-based): chrX:53,234,472, C duplicated on the plus strand (G on the coding strand, the reverse complement: IQSEC2 is on the minus strand); the first of 5 consecutive C bases (chrX:53,234,472-53,234,476); duplicating any one gives the same sequence. VCF-style (leftmost placement, unchanged base first): chrX-53234471-G-GC. GRCh37 (hg19) VCF-style: chrX-53263653-G-GC.
Other names: c.*699dup (NM_015075.2); short protein forms G1407fs.
Identifiers: ClinVar variation 1457021 (VCV001457021.6), dbSNP rs2147001369, ClinGen allele CA2573158976.

ClinVar aggregate classification (germline): Pathogenic (1 of 4 stars; one submission).

Conditions:
Intellectual developmental disorder, X-linked 1. Also called: Intellectual disability, X-linked 1; Atkin Flaitz Patil Smith syndrome; MENTAL RETARDATION, X-LINKED 18; MENTAL RETARDATION, X-LINKED 78. Identifiers: Orphanet 777, MedGen C2931498, MONDO:0010656, OMIM 309530.

Submission:

Labcorp Genetics (formerly Invitae), Labcorp
Classification: Pathogenic for Intellectual developmental disorder, X-linked 1. Last evaluated: 2021-11-22. Review status: criteria provided, single submitter. Criteria: Invitae Variant Classification Sherloc (09022015). Collection method: clinical testing. Allele origin: germline.
Comment: This variant has not been reported in the literature in individuals affected with IQSEC2-related conditions. This variant is not present in population databases (gnomAD no frequency). This sequence change results in a frameshift in the IQSEC2 gene (p.Gly1407Trpfs*200). While this is not anticipated to result in nonsense mediated decay, it is expected to disrupt the last 82 amino acid(s) of the IQSEC2 protein and extend the protein by 117 additional amino acid residues. This variant results in an extension of the IQSEC2 protein. Other variant(s) that result in a similarly extended protein product (p.Ser1474Glnfs*133) have been determined to be pathogenic (PMID: 30666632). This suggests that these extensions are likely to be disease-causing. For these reasons, this variant has been classified as Pathogenic.

Literature cited by the submitters: PubMed 30666632.